The following is an entry in ClinVar:

NM_000047.3(ARSL):c.413A>G (p.Tyr138Cys)

Gene: ARSL (arylsulfatase L; minus strand). Cytogenetic location: Xp22.33.
Variant type: single nucleotide variant.
Coding change: c.413A>G on transcript NM_000047.3 (MANE Select); coding-DNA position 413, A replaced by G.
Protein change: p.Tyr138Cys; replaces tyrosine 138 with cysteine.
Molecular consequence: missense variant.
Genome position (GRCh38, 1-based): chrX:2,953,160, T>C on the plus strand (A>G on the coding strand, the complement: ARSL is on the minus strand). VCF-style: chrX-2953160-T-C. GRCh37 (hg19) VCF-style: chrX-2871201-T-C.
Other names: c.488A>G, p.Tyr163Cys (NM_001282628.2, NM_001369080.1); c.251A>G, p.Tyr84Cys (NM_001282631.2); c.440A>G, p.Tyr147Cys (NM_001369079.1); short protein forms Y147C, Y163C, Y84C, Y138C.
Identifiers: ClinVar variation 3651166 (VCV003651166.2).

ClinVar aggregate classification (germline): Uncertain significance (1 of 4 stars; one submission).

Conditions:
Chondrodysplasia punctata, brachytelephalangic, autosomal. Also called: BRACHYTELEPHALANGIC CHONDRODYSPLASIA PUNCTATA. Identifiers: MedGen C1844853, MONDO:0011238, OMIM 602497.

Submission:

Labcorp Genetics (formerly Invitae), Labcorp
Classification: Uncertain significance for Chondrodysplasia punctata, brachytelephalangic, autosomal. Last evaluated: 2024-04-25. Review status: criteria provided, single submitter. Criteria: Invitae Variant Classification Sherloc (09022015). Collection method: clinical testing. Allele origin: germline.
Comment: This sequence change replaces tyrosine, which is neutral and polar, with cysteine, which is neutral and slightly polar, at codon 138 of the ARSE protein (p.Tyr138Cys). This variant is not present in population databases (gnomAD no frequency). This variant has not been reported in the literature in individuals affected with ARSE-related conditions. Advanced modeling of protein sequence and biophysical properties (such as structural, functional, and spatial information, amino acid conservation, physicochemical variation, residue mobility, and thermodynamic stability) has been performed at Invitae for this missense variant, however the output from this modeling did not meet the statistical confidence thresholds required to predict the impact of this variant on ARSE protein function. In summary, the available evidence is currently insufficient to determine the role of this variant in disease. Therefore, it has been classified as a Variant of Uncertain Significance.